The following is an entry in ClinVar:

NM_000512.5(GALNS):c.473_477del (p.Glu158fs)

Gene: GALNS (galactosamine (N-acetyl)-6-sulfatase; minus strand). Cytogenetic location: 16q24.3.
Variant type: Deletion.
Coding change: c.473_477del on transcript NM_000512.5 (MANE Select); coding-DNA positions 473 to 477, 5 bases deleted (AGTGG; older notation c.473_477delAGTGG).
Protein change: p.Glu158fs; shifts the reading frame from glutamic acid 158.
Molecular consequence: frameshift variant. On other transcripts: 5 prime UTR variant (1).
Genome position (GRCh38, 1-based): chr16:88,837,711-88,837,715, CCACT deleted on the plus strand (AGTGG on the coding strand, the reverse complement: GALNS is on the minus strand); deleting any 5 consecutive bases within chr16:88,837,711-88,837,716 gives the same sequence; the c. name uses the placement nearest the transcript's 3' end. VCF-style (leftmost placement, unchanged base first): chr16-88837710-ACCACT-A. GRCh37 (hg19) VCF-style: chr16-88904118-ACCACT-A.
Other names: c.-83_-79del (NM_001323543.2); c.491_495del, p.Glu164fs (NM_001323544.2); short protein forms E158fs, E164fs.
Identifiers: ClinVar variation 1048191 (VCV001048191.3), dbSNP rs2143002427, ClinGen allele CA915940950.
Genomic context (GRCh38, chr16:88,837,710, plus strand): 5'-CAGGGATGTTGGGCCTGGCCTTGTTGTCATAAGGTCCAAAGTGGCAGTTGGGGGATCCAA[ACCACT>A]CATCAAATCCGTGCTTCAGGGGGTGGAACTGGGGCCTGTGACCCAGATGCCTGGAAACAG-3'

ClinVar aggregate classification (germline): Likely pathogenic (1 of 4 stars; one submission).

Conditions:
Mucopolysaccharidosis, MPS-IV-A (MPS4A). Also called: Mucopolysaccharidosis type IV A; Mucopolysaccharidosis Type IVA; Morquio syndrome A, mild; MORQUIO SYNDROME A; MPS IVA; mucopolysaccharidosis type 4A. Identifiers: Orphanet 309297, Orphanet 582, MedGen C0086651, MONDO:0009659, OMIM 253000.

Submission:

Laboratory of Diagnosis and Therapy of Lysosomal Disorders, University of Padova
Classification: Likely pathogenic for Mucopolysaccharidosis, MPS-IV-A. Last evaluated: 2021-02-01. Review status: criteria provided, single submitter. Criteria: ACMG Guidelines, 2015. Collection method: curation. Allele origin: germline. Affected: yes.
Comment: Frameshift variant (PVS1_very strong); absent from gnomAD v2.1.1 (PM2_moderate)

Literature cited by the submitters: PubMed 31200731; PubMed 34387910.